The following is an entry in ClinVar:

NM_000059.4(BRCA2):c.48_50delinsATTTCAAAAT (p.Thr17fs)

Gene: BRCA2 (BRCA2 DNA repair associated; plus strand). Cytogenetic location: 13q13.1.
Variant type: Indel.
Coding change: c.48_50delinsATTTCAAAAT on transcript NM_000059.4 (MANE Select); coding-DNA positions 48 to 50, GAC replaced by ATTTCAAAAT.
Protein change: p.Thr17fs; shifts the reading frame from threonine 17.
Molecular consequence: frameshift variant. On other transcripts: non-coding transcript variant (1), intron variant (1).
Genome position (GRCh38, 1-based): chr13:32,316,508-32,316,510, GAC replaced by ATTTCAAAAT. VCF-style: chr13-32316508-GAC-ATTTCAAAAT. GRCh37 (hg19) VCF-style: chr13-32890645-GAC-ATTTCAAAAT.
Other names: c.48_50delinsATTTCAAAAT, p.Thr17fs (NM_001406719.1, NM_001406720.1, NM_001406721.1 and 1 more transcripts); c.-303+841_-303+843delinsATTTCAAAAT (NM_001406722.1); short protein forms T17fs.
Identifiers: ClinVar variation 4628344 (VCV004628344.1).
Genomic context (GRCh38, chr13:32,316,508, plus strand): 5'-ATCGTAGGTAAAAATGCCTATTGGATCCAAAGAGAGGCCAACATTTTTTGAAATTTTTAA[GAC>ATTTCAAAAT]ACGCTGCAACAAAGCAGGTATTGACAAATTTTATATAACTTTATAAATTACACCGAGAAA-3'

ClinVar aggregate classification (germline): Pathogenic (1 of 4 stars; one submission).

Conditions:
Hereditary cancer-predisposing syndrome. Also called: Neoplastic Syndromes, Hereditary; Tumor predisposition; Hereditary Cancer Syndrome; Hereditary neoplastic syndrome. Identifiers: Orphanet 140162, MedGen C0027672, MeSH D009386, MONDO:0015356.

Submission:

Ambry Genetics
Classification: Pathogenic for Hereditary cancer-predisposing syndrome. Last evaluated: 2025-09-25. Review status: criteria provided, single submitter. Criteria: Ambry Variant Classification Scheme 2023. Collection method: clinical testing. Allele origin: germline.
Comment: The c.48_50delGACins10 variant, located in coding exon 1 of the BRCA2 gene, results from the deletion of 3 nucleotides and insertion of 10 nucleotides causing a translational frameshift with a predicted alternate stop codon (p.T17Ffs*16). This variant is considered to be rare based on population cohorts in the Genome Aggregation Database (gnomAD). This alteration is expected to result in loss of function by premature protein truncation or nonsense-mediated mRNA decay. As such, this alteration is interpreted as a disease-causing mutation.